The following is an entry in ClinVar:

ClinVar aggregate classification (germline): Uncertain significance. Review status: criteria provided, multiple submitters, no conflicts (2 of 4 stars). 2 submissions from 2 submitters: Uncertain significance (2). Last evaluated 2025-08-23.

gnomAD v4.1: 3 of 1,614,106 alleles (0.00019%); highest among the groups gnomAD compares: Non-Finnish European, 0.00017%; no homozygotes.

Submissions (2):

Ambry Genetics
Classification: Uncertain significance. Last evaluated: 2025-08-23. Review status: criteria provided, single submitter. Criteria: Ambry Variant Classification Scheme 2023. Collection method: clinical testing. Allele origin: germline.

Labcorp Genetics (formerly Invitae), Labcorp
Classification: Uncertain significance. Last evaluated: 2020-10-05. Review status: criteria provided, single submitter. Criteria: Invitae Variant Classification Sherloc (09022015). Collection method: clinical testing. Allele origin: germline.
Comment: This sequence change replaces alanine with valine at codon 689 of the DHX38 protein (p.Ala689Val). The alanine residue is highly conserved and there is a small physicochemical difference between alanine and valine. This variant is not present in population databases (ExAC no frequency). This variant has not been reported in the literature in individuals with DHX38-related conditions. Algorithms developed to predict the effect of missense changes on protein structure and function are either unavailable or do not agree on the potential impact of this missense change (SIFT: "Deleterious"; PolyPhen-2: "Probably Damaging"; Align-GVGD: "Class C0"). In summary, the available evidence is currently insufficient to determine the role of this variant in disease. Therefore, it has been classified as a Variant of Uncertain Significance.

NM_014003.4(DHX38):c.2066C>T (p.Ala689Val)

Gene: DHX38 (DEAH-box helicase 38; plus strand). Cytogenetic location: 16q22.2.
Variant type: single nucleotide variant.
Coding change: c.2066C>T on transcript NM_014003.4 (MANE Select); coding-DNA position 2066, C replaced by T.
Protein change: p.Ala689Val; replaces alanine 689 with valine.
Molecular consequence: missense variant.
Genome position (GRCh38, 1-based): chr16:72,104,541, C>T. VCF-style: chr16-72104541-C-T. GRCh37 (hg19) VCF-style: chr16-72138440-C-T.
Other names: c.2066C>T (NM_014003.3); short protein forms A689V.
Identifiers: ClinVar variation 1035529 (VCV001035529.9), dbSNP rs2042146362, ClinGen allele CA396710657.
Genomic context (GRCh38, chr16:72,104,541, plus strand): 5'-CTCAGGTAGTGGCTCGGCGCTCAGACCTGAAGCTCATCGTCACATCAGCCACGATGGATG[C>T]GGAGAAGTTTGCTGCCTTTTTTGGGAATGTCCCCATCTTCCACATCCCTGGCCGTACCTT-3'
Protein context (NP_054722.2, residues 679-699): KLIVTSATMD[Ala689Val]EKFAAFFGNV